The following is an entry in ClinVar:

NM_000548.5(TSC2):c.618del (p.Cys206fs)

Gene: TSC2 (TSC complex subunit 2; plus strand). Cytogenetic location: 16p13.3.
Variant type: Deletion.
Coding change: c.618del on transcript NM_000548.5 (MANE Select); coding-DNA position 618, one base deleted (C; older notation c.618delC).
Protein change: p.Cys206fs; shifts the reading frame from cysteine 206.
Molecular consequence: frameshift variant.
Genome position (GRCh38, 1-based): chr16:2,056,214, C deleted. VCF-style (leftmost placement, unchanged base first): chr16-2056213-GC-G. GRCh37 (hg19) VCF-style: chr16-2106214-GC-G.
Other names: c.618del, p.Cys206fs (NM_001077183.3, NM_001114382.3, NM_001363528.2 and 3 more transcripts); c.507del, p.Cys169fs (NM_001318827.2); c.471del, p.Cys157fs (NM_001318829.2); c.18del, p.Cys6fs (NM_001318831.2); c.651del, p.Cys217fs (NM_001318832.2); short protein forms C217fs, C6fs, C157fs, C169fs, C206fs.
Identifiers: ClinVar variation 1451726 (VCV001451726.6), dbSNP rs2151070992, ClinGen allele CA2573151807.

ClinVar aggregate classification (germline): Pathogenic. Review status: criteria provided, multiple submitters, no conflicts (2 of 4 stars). 2 submissions from 2 submitters: Pathogenic (2). Last evaluated 2023-01-18.

Conditions:
Tuberous sclerosis 2 (TSC2). Identifiers: Orphanet 805, MedGen C1860707, MONDO:0013199, OMIM 613254.

Submissions (2):

Myriad Genetics, Inc.
Classification: Pathogenic for Tuberous sclerosis 2. Last evaluated: 2023-01-18. Review status: criteria provided, single submitter. Criteria: Myriad Autosomal Dominant, Autosomal Recessive and X-Linked Classification Criteria (2023). Collection method: clinical testing. Allele origin: unknown.
Comment: This variant is considered pathogenic. This variant creates a frameshift predicted to result in premature protein truncation.

Labcorp Genetics (formerly Invitae), Labcorp
Classification: Pathogenic for Tuberous sclerosis 2. Last evaluated: 2021-05-09. Review status: criteria provided, single submitter. Criteria: Invitae Variant Classification Sherloc (09022015). Collection method: clinical testing. Allele origin: germline.
Comment: This variant is not present in population databases (ExAC no frequency). This variant has not been reported in the literature in individuals with TSC2-related conditions. For these reasons, this variant has been classified as Pathogenic. This sequence change creates a premature translational stop signal (p.Cys206Trpfs*10) in the TSC2 gene. It is expected to result in an absent or disrupted protein product. Loss-of-function variants in TSC2 are known to be pathogenic (PMID: 10205261, 17304050).

Literature cited by the submitters: PubMed 10205261 (cited by Labcorp Genetics (formerly Invitae), Labcorp); PubMed 17304050 (cited by Labcorp Genetics (formerly Invitae), Labcorp).